The following is an entry in ClinVar:

ClinVar aggregate classification (germline): Pathogenic (1 of 4 stars; one submission).

Submission:

GeneDx
Classification: Pathogenic. Last evaluated: 2025-11-09. Review status: criteria provided, single submitter. Criteria: GeneDx Variant Classification Process June 2021. Collection method: clinical testing. Allele origin: germline. Affected: yes.
Comment: Not observed at significant frequency in large population cohorts (gnomAD); In-frame deletion of 1 amino acid in a non-repeat region; In silico analysis supports a deleterious effect on protein structure/function; This variant is associated with the following publications: (PMID: 30158690, 37377026)

NM_005445.4(SMC3):c.717TGA[1] (p.Asp240del)

Gene: SMC3 (structural maintenance of chromosomes 3; plus strand). Cytogenetic location: 10q25.2.
Variant type: Microsatellite.
Coding change: c.717TGA[1] on transcript NM_005445.4 (MANE Select); one copy of the 3-base unit TGA starting at c.717; the reference has two copies in a row; one copy, 3 bases deleted.
Protein change: p.Asp240del; deletes aspartic acid 240.
Molecular consequence: inframe deletion.
Genome position (GRCh38, 1-based): chr10:110,582,095-110,582,097, TGA deleted; deleting any 3 consecutive bases within chr10:110,582,092-110,582,097 gives the same sequence; the position shown is the placement nearest the transcript's 3' end. VCF-style (leftmost placement, unchanged base first): chr10-110582091-TTGA-T. GRCh37 (hg19) VCF-style: chr10-112341849-TTGA-T.
Other names: short protein forms D240del.
Identifiers: ClinVar variation 1335863 (VCV001335863.3), dbSNP rs2134724901, ClinGen allele CA2580616898.
Genomic context (GRCh38, chr10:110,582,091, plus strand): 5'-TGAGACGAGCCCTGGAATATACCATTTACAATCAGGAACTTAACGAGACTCGTGCCAAAC[TTGA>T]TGAGGTAAAATATTTACCTGTGACACTTAAAATCAGATTAATTTTGTTTTTATGAATTTG-3'